The following is an entry in ClinVar:

ClinVar aggregate classification (germline): Uncertain significance (1 of 4 stars; one submission).

Conditions:
Inborn genetic diseases. Identifiers: MedGen C0950123, MeSH D030342.

Allele frequency attached by ClinVar (database versions not stated): gnomAD exomes below 0.00001.
gnomAD v4.1: 4 of 1,614,188 alleles (0.00025%); highest among the groups gnomAD compares: South Asian, 0.0011%; no homozygotes.

Submission:

Ambry Genetics
Classification: Uncertain significance for Inborn genetic diseases. Last evaluated: 2021-08-10. Review status: criteria provided, single submitter. Criteria: Ambry Variant Classification Scheme 2023. Collection method: clinical testing. Allele origin: germline.
Comment: The p.K918E variant (also known as c.2752A>G), located in coding exon 13 of the ATR gene, results from an A to G substitution at nucleotide position 2752. The lysine at codon 918 is replaced by glutamic acid, an amino acid with similar properties. This amino acid position is conserved. In addition, the in silico prediction for this alteration is inconclusive. Since supporting evidence is limited at this time, the clinical significance of this alteration remains unclear.

NM_001184.4(ATR):c.2752A>G (p.Lys918Glu)

Gene: ATR (ATR checkpoint kinase; minus strand). Cytogenetic location: 3q23.
Variant type: single nucleotide variant.
Coding change: c.2752A>G on transcript NM_001184.4 (MANE Select); coding-DNA position 2752, A replaced by G.
Protein change: p.Lys918Glu; replaces lysine 918 with glutamic acid.
Molecular consequence: missense variant.
Genome position (GRCh38, 1-based): chr3:142,553,280, T>C on the plus strand (A>G on the coding strand, the complement: ATR is on the minus strand). VCF-style: chr3-142553280-T-C. GRCh37 (hg19) VCF-style: chr3-142272122-T-C.
Other names: c.2560A>G, p.Lys854Glu (NM_001354579.2); short protein forms K854E, K918E.
Identifiers: ClinVar variation 1795581 (VCV001795581.2), dbSNP rs977085317, ClinGen allele CA84745702.